The following is an entry in ClinVar:

ClinVar aggregate classification (germline): Uncertain significance (1 of 4 stars; one submission).

Conditions:
Familial adenomatous polyposis 1 (FAP1). Also called: FAMILIAL ADENOMATOUS POLYPOSIS 1, ATTENUATED; POLYPOSIS, ADENOMATOUS INTESTINAL. Identifiers: MedGen C2713442, MONDO:0021056, OMIM 175100. Disease mechanism: loss of function.

Allele frequency attached by ClinVar (database versions not stated): gnomAD exomes below 0.00001.
gnomAD v4.1: 1 of 925,232 alleles (0.00011%); highest among the groups gnomAD compares: Non-Finnish European, 0.00015%; no homozygotes.

Submission:

Labcorp Genetics (formerly Invitae), Labcorp
Classification: Uncertain significance for Familial adenomatous polyposis 1. Last evaluated: 2021-09-01. Review status: criteria provided, single submitter. Criteria: Invitae Variant Classification Sherloc (09022015). Collection method: clinical testing. Allele origin: germline.
Comment: This variant occurs in a non-coding region of the APC gene. It does not change the encoded amino acid sequence of the APC protein. The frequency data for this variant in the population databases is considered unreliable, as metrics indicate insufficient coverage at this position in the ExAC database. This variant has not been reported in the literature in individuals affected with APC-related conditions. Experimental studies and prediction algorithms are not available or were not evaluated, and the functional significance of this variant is currently unknown. In summary, the available evidence is currently insufficient to determine the role of this variant in disease. Therefore, it has been classified as a Variant of Uncertain Significance.

NM_001127511.3(APC):c.-137T>C

Gene: APC (APC regulator of Wnt signaling pathway; plus strand). Cytogenetic location: 5q22.2.
Variant type: single nucleotide variant.
Coding change: c.-137T>C on transcript NM_001127511.3; 137 bases upstream of the start codon, T replaced by C.
Molecular consequence: 5 prime UTR variant. On other transcripts: non-coding transcript variant (2).
Genome position (GRCh38, 1-based): chr5:112,707,581, T>C. VCF-style: chr5-112707581-T-C. GRCh37 (hg19) VCF-style: chr5-112043278-T-C.
Other names: c.-320T>C (NM_001354895.2, NM_001407447.1, NM_001407452.1 and 3 more transcripts); c.-137T>C (NM_001354897.2, NM_001354902.2, NM_001407446.1); c.-87T>C (NM_001407448.1, NM_001407450.1, NM_001407457.1 and 1 more transcripts); c.-111T>C (NM_001407453.1); c.-1355T>C (NM_001407470.1, NM_001407472.1).
Identifiers: ClinVar variation 1046557 (VCV001046557.7), dbSNP rs1750580599, ClinGen allele CA1573442480.
Genomic context (GRCh38, chr5:112,707,581, plus strand): 5'-ACAAGATGGCGGAGGGCAAGTAGCAAGGGGGCGGGGTGTGGCCGCCGGAAGCCTAGCCGC[T>C]GCTCGGGGGGGACCTGCGGGCTCAGGCCCGGGAGCTGCGGACCGAGGTTGGCTCGATGCT-3'